The following is an entry in ClinVar:

NM_016239.4(MYO15A):c.3346G>C (p.Val1116Leu)

Gene: MYO15A (myosin XVA; plus strand). Cytogenetic location: 17p11.2.
Variant type: single nucleotide variant.
Coding change: c.3346G>C on transcript NM_016239.4 (MANE Select); coding-DNA position 3346, G replaced by C.
Protein change: p.Val1116Leu; replaces valine 1116 with leucine.
Molecular consequence: missense variant.
Genome position (GRCh38, 1-based): chr17:18,122,146, G>C. VCF-style: chr17-18122146-G-C. GRCh37 (hg19) VCF-style: chr17-18025460-G-C.
Other names: short protein forms V1116L.
Identifiers: ClinVar variation 2446182 (VCV002446182.1), dbSNP rs1224946549, ClinGen allele CA398587550.

ClinVar aggregate classification (germline): Uncertain significance (1 of 4 stars; one submission).

Allele frequency attached by ClinVar (database versions not stated): gnomAD exomes below 0.00001; gnomAD 0.00001; TOPMed 0.00001.
gnomAD v4.1: 6 of 1,612,936 alleles (0.00037%); highest among the groups gnomAD compares: Non-Finnish European, 0.00025%; no homozygotes.

Submission:

GeneDx
Classification: Uncertain significance. Last evaluated: 2023-03-27. Review status: criteria provided, single submitter. Criteria: GeneDx Variant Classification Process June 2021. Collection method: clinical testing. Allele origin: germline. Affected: yes.
Comment: Not observed at significant frequency in large population cohorts (gnomAD); In silico analysis supports that this missense variant does not alter protein structure/function; Has not been previously published as pathogenic or benign to our knowledge